The following is an entry in ClinVar:

NM_000059.4(BRCA2):c.8288A>C (p.Asp2763Ala)

Gene: BRCA2 (BRCA2 DNA repair associated; plus strand). Cytogenetic location: 13q13.1.
Variant type: single nucleotide variant.
Coding change: c.8288A>C on transcript NM_000059.4 (MANE Select); coding-DNA position 8288, A replaced by C.
Protein change: p.Asp2763Ala; replaces aspartic acid 2763 with alanine.
Molecular consequence: missense variant.
Genome position (GRCh38, 1-based): chr13:32,363,490, A>C. VCF-style: chr13-32363490-A-C. GRCh37 (hg19) VCF-style: chr13-32937627-A-C.
Other names: short protein forms D2763A.
Identifiers: ClinVar variation 568753 (VCV000568753.9), dbSNP rs1566245842, ClinGen allele CA387750113.

ClinVar aggregate classification (germline): Uncertain significance (1 of 4 stars; one submission).

Conditions:
Hereditary breast ovarian cancer syndrome. Also called: Hereditary breast and ovarian cancer syndrome (HBOC); Hereditary breast and ovarian cancer; Hereditary breast and/or ovarian cancer syndrome; Hereditary breast and ovarian cancer syndrome; Breast and ovarian cancer; BRCA1- and BRCA2-Associated Hereditary Breast and Ovarian Cancer. Identifiers: Orphanet 145, MedGen C0677776, MeSH D061325, MONDO:0003582. Disease mechanism: loss of function.

Submission:

Labcorp Genetics (formerly Invitae), Labcorp
Classification: Uncertain significance for Hereditary breast ovarian cancer syndrome. Last evaluated: 2018-01-31. Review status: criteria provided, single submitter. Criteria: Invitae Variant Classification Sherloc (09022015). Collection method: clinical testing. Allele origin: germline.
Comment: This variant is not present in population databases (ExAC no frequency). This sequence change replaces aspartic acid with alanine at codon 2763 of the BRCA2 protein (p.Asp2763Ala). The aspartic acid residue is moderately conserved and there is a moderate physicochemical difference between aspartic acid and alanine. In summary, the available evidence is currently insufficient to determine the role of this variant in disease. Therefore, it has been classified as a Variant of Uncertain Significance. Algorithms developed to predict the effect of missense changes on protein structure and function do not agree on the potential impact of this missense change (SIFT: "Deleterious"; PolyPhen-2: "Benign"; Align-GVGD: "Class C25"). This variant has not been reported in the literature in individuals with BRCA2-related disease.